The following is an entry in ClinVar:

NM_004407.4(DMP1):c.445G>T (p.Glu149Ter)

Genes: DMP1 (dentin matrix acidic phosphoprotein 1; plus strand), DMP1-AS1 (DMP1 and DSPP antisense RNA 1; minus strand). Cytogenetic location: 4q22.1.
Variant type: single nucleotide variant.
Coding change: c.445G>T on transcript NM_004407.4 (MANE Select); coding-DNA position 445, G replaced by T.
Protein change: p.Glu149Ter; replaces glutamic acid 149 with a stop codon.
Molecular consequence: nonsense.
Genome position (GRCh38, 1-based): chr4:87,662,223, G>T. VCF-style: chr4-87662223-G-T. GRCh37 (hg19) VCF-style: chr4-88583375-G-T.
Other names: c.397G>T, p.Glu133Ter (NM_001079911.3); short protein forms E133*, E149*.
Identifiers: ClinVar variation 1400066 (VCV001400066.6), dbSNP rs753043959, ClinGen allele CA357698970.

ClinVar aggregate classification (germline): Pathogenic (1 of 4 stars; one submission).

Submission:

Labcorp Genetics (formerly Invitae), Labcorp
Classification: Pathogenic. Last evaluated: 2021-10-15. Review status: criteria provided, single submitter. Criteria: Invitae Variant Classification Sherloc (09022015). Collection method: clinical testing. Allele origin: germline.
Comment: This variant is not present in population databases (ExAC no frequency). This variant has not been reported in the literature in individuals affected with DMP1-related conditions. This variant disrupts a region of the DMP1 protein in which other variant(s) (p.Glu179Argfs*54) have been determined to be pathogenic (PMID: 19796717; Invitae). This suggests that this is a clinically significant region of the protein, and that variants that disrupt it are likely to be disease-causing. For these reasons, this variant has been classified as Pathogenic. This sequence change creates a premature translational stop signal (p.Glu149*) in the DMP1 gene. While this is not anticipated to result in nonsense mediated decay, it is expected to disrupt the last 365 amino acid(s) of the DMP1 protein.

Literature cited by the submitters: PubMed 19796717.